The following is an entry in ClinVar:

NM_002528.7(NTHL1):c.376C>G (p.Leu126Val)

Gene: NTHL1 (nth like DNA glycosylase 1; minus strand). Cytogenetic location: 16p13.3.
Variant type: single nucleotide variant.
Coding change: c.376C>G on transcript NM_002528.7 (MANE Select); coding-DNA position 376, C replaced by G.
Protein change: p.Leu126Val; replaces leucine 126 with valine.
Molecular consequence: missense variant. On other transcripts: intron variant (1).
Genome position (GRCh38, 1-based): chr16:2,044,779, G>C on the plus strand (C>G on the coding strand, the complement: NTHL1 is on the minus strand). VCF-style: chr16-2044779-G-C. GRCh37 (hg19) VCF-style: chr16-2094780-G-C.
Other names: c.46C>G, p.Leu16Val (NM_001318194.2); c.355-1053C>G (NM_001318193.2); short protein forms L126V, L16V.
Identifiers: ClinVar variation 1736997 (VCV001736997.2), dbSNP rs2150942503, ClinGen allele CA394294703.

ClinVar aggregate classification (germline): Uncertain significance (1 of 4 stars; one submission).

Conditions:
Hereditary cancer-predisposing syndrome. Also called: Neoplastic Syndromes, Hereditary; Tumor predisposition; Hereditary Cancer Syndrome; Hereditary neoplastic syndrome. Identifiers: Orphanet 140162, MedGen C0027672, MeSH D009386, MONDO:0015356.

Submission:

Ambry Genetics
Classification: Uncertain significance for Hereditary cancer-predisposing syndrome. Last evaluated: 2022-04-24. Review status: criteria provided, single submitter. Criteria: Ambry Variant Classification Scheme 2023. Collection method: clinical testing. Allele origin: germline.
Comment: The p.L134V variant (also known as c.400C>G), located in coding exon 3 of the NTHL1 gene, results from a C to G substitution at nucleotide position 400. The leucine at codon 134 is replaced by valine, an amino acid with highly similar properties. This amino acid position is conserved. In addition, this alteration is predicted to be tolerated by in silico analysis. Since supporting evidence is limited at this time, the clinical significance of this alteration remains unclear.